The following is an entry in ClinVar:

NM_182961.4(SYNE1):c.5596G>A (p.Ala1866Thr)

Gene: SYNE1 (spectrin repeat containing nuclear envelope protein 1; minus strand). Cytogenetic location: 6q25.2.
Variant type: single nucleotide variant.
Coding change: c.5596G>A on transcript NM_182961.4 (MANE Select); coding-DNA position 5596, G replaced by A.
Protein change: p.Ala1866Thr; replaces alanine 1866 with threonine.
Molecular consequence: missense variant.
Genome position (GRCh38, 1-based): chr6:152,416,841, C>T on the plus strand (G>A on the coding strand, the complement: SYNE1 is on the minus strand). VCF-style: chr6-152416841-C-T. GRCh37 (hg19) VCF-style: chr6-152737976-C-T.
Other names: c.5617G>A, p.Ala1873Thr (NM_033071.5); short protein forms A1873T, A1866T.
Identifiers: ClinVar variation 4794762 (VCV004794762.1).
Genomic context (GRCh38, chr6:152,416,841, plus strand): 5'-GGCGGAGAATGCCGGACAGAGAGGCATGGCTCTGGAGGAATTCTGCCAAATGGGACAGGG[C>T]AAGCTGCCGCCTCTCCACAACCTGGCTGGCCTCCTCAAACAGCTGGAAGCAGTCCTCAGC-3'
Protein context (NP_892006.3, residues 1856-1876): ASQVVERRQL[Ala1866Thr]LSHLAEFLQS

ClinVar aggregate classification (germline): Uncertain significance (1 of 4 stars; one submission).

Conditions:
Emery-Dreifuss muscular dystrophy 4, autosomal dominant (EDMD4). Also called: EMERY-DREIFUSS MUSCULAR DYSTROPHY 4 WITH VARIABLE FEATURES. Identifiers: Orphanet 261, MedGen C2751807, MONDO:0013071, OMIM 612998.
Autosomal recessive ataxia, Beauce type. Also called: Spinocerebellar ataxia, autosomal recessive 8; ATAXIA, RECESSIVE, OF BEAUCE; SYNE1 Deficiency; SYNE1-Related Autosomal Recessive Cerebellar Ataxia. Identifiers: Orphanet 88644, MedGen C1853116, MONDO:0012549, OMIM 610743.

Submission:

Labcorp Genetics (formerly Invitae), Labcorp
Classification: Uncertain significance for Emery-Dreifuss muscular dystrophy 4, autosomal dominant; Autosomal recessive ataxia, Beauce type. Last evaluated: 2026-01-25. Review status: criteria provided, single submitter. Criteria: Invitae Variant Classification Sherloc (09022015). Collection method: clinical testing. Allele origin: germline.
Comment: This sequence change replaces alanine, which is neutral and non-polar, with threonine, which is neutral and polar, at codon 1873 of the SYNE1 protein (p.Ala1873Thr). This variant is not present in population databases (gnomAD no frequency). This missense change has been observed in individual(s) with cerebellar ataxia or spasticity (PMID: 31692161). An algorithm developed to predict the effect of missense changes on protein structure and function (PolyPhen-2) suggests that this variant is likely to be disruptive. In summary, the available evidence is currently insufficient to determine the role of this variant in disease. Therefore, it has been classified as a Variant of Uncertain Significance.

Literature cited by the submitters: PubMed 31692161.